The following is an entry in ClinVar:

NM_001369.3(DNAH5):c.12704A>G (p.Lys4235Arg)

Gene: DNAH5 (dynein axonemal heavy chain 5; minus strand). Cytogenetic location: 5p15.2.
Variant type: single nucleotide variant.
Coding change: c.12704A>G on transcript NM_001369.3 (MANE Select); coding-DNA position 12704, A replaced by G.
Protein change: p.Lys4235Arg; replaces lysine 4235 with arginine.
Molecular consequence: missense variant.
Genome position (GRCh38, 1-based): chr5:13,717,316, T>C on the plus strand (A>G on the coding strand, the complement: DNAH5 is on the minus strand). VCF-style: chr5-13717316-T-C. GRCh37 (hg19) VCF-style: chr5-13717425-T-C.
Other names: short protein forms K4235R.
Identifiers: ClinVar variation 4969466 (VCV004969466.2).
Genomic context (GRCh38, chr5:13,717,316, plus strand): 5'-GAGCTTGATGGCCCAAGCCCACAGCCACTAGAGGCATGAGGCAGCATGCGCGGCAGTACC[T>C]TTTTGACATCCATGTCATCCAAGTGGTTTTGGATGAACTGCACAGTGGCATTAAAGTCCG-3'
Protein context (NP_001360.1, residues 4225-4245): QNHLDDMDVK[Lys4235Arg]GVSWTTIRYM

ClinVar aggregate classification (germline): Likely pathogenic. Review status: criteria provided, multiple submitters, no conflicts (2 of 4 stars). 2 submissions from 2 submitters: Likely pathogenic (2). Last evaluated 2023-04-18.

Conditions:
Primary ciliary dyskinesia 3. Identifiers: Orphanet 244, MedGen C1837618, MONDO:0012085, OMIM 608644.
DNAH5-related disorders.

gnomAD v4.1: 1 of 1,613,366 alleles (0.000062%); highest among the groups gnomAD compares: South Asian, 0.0011%; no homozygotes.

Submissions (2):

Blueprint Genetics
Classification: Likely pathogenic for DNAH5-related disorders. Last evaluated: 2023-04-18. Review status: criteria provided, single submitter. Criteria: ACMG Guidelines, 2015. Collection method: clinical testing. Allele origin: germline. Affected: yes. Observed: 2 variant alleles.

Juno Genomics, Hangzhou Juno Genomics, Inc
Classification: Likely pathogenic for Primary ciliary dyskinesia 3. Review status: criteria provided, single submitter. Criteria: ACMG Guidelines, 2015. Collection method: clinical testing. Allele origin: germline. Affected: yes.
Comment: Absent from controls (or at extremely low frequency if recessive) in Genome Aggregation Database.;Multiple lines of computational evidence support a deleterious effect on the gene or gene product.;For recessive disorders, detected in trans with a pathogenic variant.;Patient's phenotype or family history is highly specific for a disease with a single genetic etiology.